The following is an entry in ClinVar:

NM_004481.5(GALNT2):c.1576G>A (p.Glu526Lys)

Gene: GALNT2 (polypeptide N-acetylgalactosaminyltransferase 2; plus strand). Cytogenetic location: 1q42.13.
Variant type: single nucleotide variant.
Coding change: c.1576G>A on transcript NM_004481.5 (MANE Select); coding-DNA position 1576, G replaced by A.
Protein change: p.Glu526Lys; replaces glutamic acid 526 with lysine.
Molecular consequence: missense variant.
Genome position (GRCh38, 1-based): chr1:230,279,318, G>A. VCF-style: chr1-230279318-G-A. GRCh37 (hg19) VCF-style: chr1-230415064-G-A.
Other names: c.1462G>A, p.Glu488Lys (NM_001291866.2); c.1576G>A (NM_004481.3); short protein forms E488K, E526K.
Identifiers: ClinVar variation 1497251 (VCV001497251.7), dbSNP rs149914257, ClinGen allele CA1446577.

ClinVar aggregate classification (germline): Uncertain significance. Review status: criteria provided, multiple submitters, no conflicts (2 of 4 stars). 2 submissions from 2 submitters: Uncertain significance (2). Last evaluated 2025-08-09.

Conditions:
Inborn genetic diseases. Identifiers: MedGen C0950123, MeSH D030342.

Allele frequency attached by ClinVar (database versions not stated): TOPMed below 0.00001; gnomAD 0.00001; ExAC 0.00002; gnomAD exomes 0.00002; ESP Exome Variant Server 0.00008.
gnomAD v4.1: 35 of 1,614,004 alleles (0.0022%); highest among the groups gnomAD compares: Non-Finnish European, 0.003%; no homozygotes.

Submissions (2):

Ambry Genetics
Classification: Uncertain significance for Inborn genetic diseases. Last evaluated: 2025-08-09. Review status: criteria provided, single submitter. Criteria: Ambry Variant Classification Scheme 2023. Collection method: clinical testing. Allele origin: germline.

Labcorp Genetics (formerly Invitae), Labcorp
Classification: Uncertain significance. Last evaluated: 2021-09-09. Review status: criteria provided, single submitter. Criteria: Invitae Variant Classification Sherloc (09022015). Collection method: clinical testing. Allele origin: germline.
Comment: This sequence change replaces glutamic acid with lysine at codon 526 of the GALNT2 protein (p.Glu526Lys). The glutamic acid residue is highly conserved and there is a small physicochemical difference between glutamic acid and lysine. This variant is present in population databases (rs149914257, ExAC 0.005%). This variant has not been reported in the literature in individuals affected with GALNT2-related conditions. Algorithms developed to predict the effect of missense changes on protein structure and function are either unavailable or do not agree on the potential impact of this missense change (SIFT: "Deleterious"; PolyPhen-2: "Possibly Damaging"; Align-GVGD: "Class C0"). In summary, the available evidence is currently insufficient to determine the role of this variant in disease. Therefore, it has been classified as a Variant of Uncertain Significance.